The following is an entry in ClinVar:

NM_001904.4(CTNNB1):c.1456C>T (p.Arg486Cys)

Genes: CTNNB1 (catenin beta 1; plus strand), LOC126806659 (BRD4-independent group 4 enhancer GRCh37_chr3:41274918-41276117; plus strand). Cytogenetic location: 3p22.1.
Variant type: single nucleotide variant.
Coding change: c.1456C>T on transcript NM_001904.4 (MANE Select); coding-DNA position 1456, C replaced by T.
Protein change: p.Arg486Cys; replaces arginine 486 with cysteine.
Molecular consequence: missense variant.
Genome position (GRCh38, 1-based): chr3:41,233,799, C>T. VCF-style: chr3-41233799-C-T. GRCh37 (hg19) VCF-style: chr3-41275290-C-T.
Other names: c.1456C>T, p.Arg486Cys (NM_001098209.2, NM_001098210.2); c.1435C>T, p.Arg479Cys (NM_001330729.2); short protein forms R479C, R486C.
Identifiers: ClinVar variation 1255551 (VCV001255551.8), dbSNP rs113411271, ClinGen allele CA2331076.
Genomic context (GRCh38, chr3:41,233,799, plus strand): 5'-TGTGCTCTTCGTCATCTGACCAGCCGACACCAAGAAGCAGAGATGGCCCAGAATGCAGTT[C>T]GCCTTCACTATGGACTACCAGTTGTGGTTAAGCTCTTACACCCACCATCCCACTGGCCTC-3'
Protein context (NP_001895.1, residues 476-496): QEAEMAQNAV[Arg486Cys]LHYGLPVVVK

ClinVar aggregate classification (germline): Uncertain significance. Review status: criteria provided, single submitter (1 of 4 stars). 2 submissions from 2 submitters: Uncertain significance (1). 1 of the submissions does not count toward it. Last evaluated 2023-12-09.

Conditions:
Autosomal dominant polycystic liver disease. Also called: Polycystic liver disease; Congenital cystic disease of liver. Identifiers: Orphanet 2924, MedGen C0158683, MONDO:0000447, HP:0006557.

Allele frequency attached by ClinVar (database versions not stated): ExAC 0.00001.
gnomAD v4.1: 6 of 1,613,028 alleles (0.00037%); highest among the groups gnomAD compares: East Asian, 0.0045%; no homozygotes.

Submissions (2):

Labcorp Genetics (formerly Invitae), Labcorp
Classification: Uncertain significance. Last evaluated: 2023-12-09. Review status: criteria provided, single submitter. Criteria: Invitae Variant Classification Sherloc (09022015). Collection method: clinical testing. Allele origin: germline.
Comment: This sequence change replaces arginine, which is basic and polar, with cysteine, which is neutral and slightly polar, at codon 486 of the CTNNB1 protein (p.Arg486Cys). This variant is present in population databases (rs113411271, gnomAD 0.01%). This variant has not been reported in the literature in individuals affected with CTNNB1-related conditions. ClinVar contains an entry for this variant (Variation ID: 1255551). Advanced modeling of protein sequence and biophysical properties (such as structural, functional, and spatial information, amino acid conservation, physicochemical variation, residue mobility, and thermodynamic stability) performed at Invitae indicates that this missense variant is expected to disrupt CTNNB1 protein function with a positive predictive value of 80%. In summary, the available evidence is currently insufficient to determine the role of this variant in disease. Therefore, it has been classified as a Variant of Uncertain Significance.

Laboratory of Gastroenterology and Hepatology, Radboud University Medical Center
Classification: Likely pathogenic for Autosomal dominant polycystic liver disease. Last evaluated: 2021-09-01. Review status: no assertion criteria provided. Collection method: research. Allele origin: germline. Affected: yes. Not counted in ClinVar's aggregate classification.